The following is an entry in ClinVar:

NM_015375.3(DSTYK):c.120G>T (p.Arg40=)

Gene: DSTYK (dual serine/threonine and tyrosine protein kinase; minus strand). Cytogenetic location: 1q32.1.
Variant type: single nucleotide variant.
Coding change: c.120G>T on transcript NM_015375.3 (MANE Select); coding-DNA position 120, G replaced by T.
Protein change: p.Arg40=; no amino-acid change (arginine 40 retained).
Molecular consequence: synonymous variant.
Genome position (GRCh38, 1-based): chr1:205,211,416, C>A on the plus strand (G>T on the coding strand, the complement: DSTYK is on the minus strand). VCF-style: chr1-205211416-C-A. GRCh37 (hg19) VCF-style: chr1-205180544-C-A.
Other names: c.120G>T, p.Arg40= (NM_199462.3).
Identifiers: ClinVar variation 780090 (VCV000780090.20), dbSNP rs201374829, ClinGen allele CA1353125.

ClinVar aggregate classification (germline): Benign/Likely benign. Review status: criteria provided, multiple submitters, no conflicts (2 of 4 stars). 3 submissions from 3 submitters: Benign (1); Likely benign (2). Last evaluated 2025-12-31.

Allele frequency attached by ClinVar (database versions not stated): gnomAD 0.00018 and 0.00040; TOPMed 0.00023; 1000 Genomes Project 30x 0.00203; 1000 Genomes Project 0.00260; gnomAD exomes 0.00051 and 0.00071; ExAC 0.00083.
gnomAD v4.1: 814 of 1,610,176 alleles (0.051%); highest among the groups gnomAD compares: East Asian, 1.1%; 9 homozygotes.

Submissions (3):

Labcorp Genetics (formerly Invitae), Labcorp
Classification: Benign. Last evaluated: 2025-12-31. Review status: criteria provided, single submitter. Criteria: Invitae Variant Classification Sherloc (09022015). Collection method: clinical testing. Allele origin: germline.

CeGaT Center for Human Genetics Tuebingen
Classification: Likely benign. Last evaluated: 2025-05-01. Review status: criteria provided, single submitter. Criteria: CeGaT Center For Human Genetics Tuebingen Variant Classification Criteria Version 2. Collection method: clinical testing. Allele origin: germline. Affected: yes. Observed: 1 variant allele.
Comment: DSTYK: BP4, BP7, BS1

Blueprint Genetics
Classification: Likely benign. Last evaluated: 2024-11-25. Review status: criteria provided, single submitter. Criteria: ACMG Guidelines, 2015. Collection method: clinical testing. Allele origin: germline.